The following is an entry in ClinVar:

NM_000410.4(HFE):c.896C>T (p.Pro299Leu)

Gene: HFE (homeostatic iron regulator; plus strand). Cytogenetic location: 6p22.2.
Variant type: single nucleotide variant.
Coding change: c.896C>T on transcript NM_000410.4 (MANE Select); coding-DNA position 896, C replaced by T.
Protein change: p.Pro299Leu; replaces proline 299 with leucine.
Molecular consequence: missense variant.
Genome position (GRCh38, 1-based): chr6:26,093,122, C>T. VCF-style: chr6-26093122-C-T. GRCh37 (hg19) VCF-style: chr6-26093350-C-T.
Other names: c.896C>T, p.Pro299Leu (NM_001300749.3, NM_001384164.1); c.887C>T, p.Pro296Leu (NM_001406751.1); c.632C>T, p.Pro211Leu (NM_001406752.1, NM_139007.3); c.578C>T, p.Pro193Leu (NM_139003.3); c.620C>T, p.Pro207Leu (NM_139004.3); c.854C>T, p.Pro285Leu (NM_139006.3); c.590C>T, p.Pro197Leu (NM_139008.3); c.827C>T, p.Pro276Leu (NM_139009.3); and 2 more; short protein forms P119L, P193L, P197L, P207L, P211L, P276L, P27L, P285L.
Identifiers: ClinVar variation 3358755 (VCV003358755.2).

ClinVar aggregate classification (germline): Uncertain significance. Review status: criteria provided, single submitter (1 of 4 stars). 2 submissions from 2 submitters: Uncertain significance (1). 1 of the submissions does not count toward it. Last evaluated 2024-01-18.

Conditions:
HFE-related disorder. Also called: HFE-related condition.

gnomAD v4.1: 10 of 1,613,858 alleles (0.00062%); highest among the groups gnomAD compares: African/African-American, 0.0053%; 1 homozygote.

Submissions (2):

GeneDx
Classification: Uncertain significance. Last evaluated: 2024-01-18. Review status: criteria provided, single submitter. Criteria: GeneDx Variant Classification Process June 2021. Collection method: clinical testing. Allele origin: germline. Affected: yes.
Comment: Has not been previously published as pathogenic or benign to our knowledge; Not observed at significant frequency in large population cohorts (gnomAD); In silico analysis supports that this missense variant has a deleterious effect on protein structure/function

PreventionGenetics, part of Exact Sciences
Classification: Uncertain significance for HFE-related condition. Last evaluated: 2024-03-20. Review status: no assertion criteria provided. Collection method: clinical testing. Allele origin: germline. Not counted in ClinVar's aggregate classification.
Comment: The HFE c.896C>T variant is predicted to result in the amino acid substitution p.Pro299Leu. To our knowledge, this variant has not been reported in the literature. This variant is reported in 0.0062% of alleles in individuals of African descent in gnomAD. At this time, the clinical significance of this variant is uncertain due to the absence of conclusive functional and genetic evidence.